The following is an entry in ClinVar:

NM_000396.4(CTSK):c.86G>A (p.Trp29Ter)

Gene: CTSK (cathepsin K; minus strand). Cytogenetic location: 1q21.3.
Variant type: single nucleotide variant.
Coding change: c.86G>A on transcript NM_000396.4 (MANE Select); coding-DNA position 86, G replaced by A.
Protein change: p.Trp29Ter; replaces tryptophan 29 with a stop codon.
Molecular consequence: nonsense.
Genome position (GRCh38, 1-based): chr1:150,806,720, C>T on the plus strand (G>A on the coding strand, the complement: CTSK is on the minus strand). VCF-style: chr1-150806720-C-T. GRCh37 (hg19) VCF-style: chr1-150779196-C-T.
Other names: short protein forms W29*.
Identifiers: ClinVar variation 4818308 (VCV004818308.1).

ClinVar aggregate classification (germline): Likely pathogenic (1 of 4 stars; one submission).

Conditions:
Pyknodysostosis. Also called: Pycnodysostosis. Identifiers: Orphanet 763, MedGen C0238402, MONDO:0009940, OMIM 265800.

Submission:

Natera, Inc.
Classification: Likely pathogenic for Pyknodysostosis. Last evaluated: 2024-09-03. Review status: criteria provided, single submitter. Criteria: Natera Variant Classification Schema (03/2026). Collection method: clinical testing. Allele origin: germline.
Comment: The c.86G>A variant in CTSK is a nonsense variant predicted to introduce a stop codon at amino acid 29. This variant is expected to result in nonsense mediated decay, truncation, or a dysfunctional protein product. This variant is rare in the general population with a frequency below the threshold expected for the associated phenotype(s). Given the available evidence, this variant is classified as Likely Pathogenic.